The following is an entry in ClinVar:

NM_017613.4(DONSON):c.1349A>G (p.Lys450Arg)

Gene: DONSON (DNA replication fork stabilization factor DONSON; minus strand). Cytogenetic location: 21q22.11.
Variant type: single nucleotide variant.
Coding change: c.1349A>G on transcript NM_017613.4 (MANE Select); coding-DNA position 1349, A replaced by G.
Protein change: p.Lys450Arg; replaces lysine 450 with arginine.
Molecular consequence: missense variant.
Genome position (GRCh38, 1-based): chr21:33,581,303, T>C on the plus strand (A>G on the coding strand, the complement: DONSON is on the minus strand). VCF-style: chr21-33581303-T-C. GRCh37 (hg19) VCF-style: chr21-34953609-T-C.
Other names: short protein forms K450R.
Identifiers: ClinVar variation 4695172 (VCV004695172.1).
Genomic context (GRCh38, chr21:33,581,303, plus strand): 5'-AATTTATCCTATCAAAGTAAAGTACTTCTTAAAAGCTAGGTTATGCAGACTTTTATTACC[T>C]TAAGCATTTGCATTGTGGCACCTCGGAAAGCAACAGGGGACAAGAGGGTTGGAGGAAGTC-3'
Protein context (NP_060083.1, residues 440-460): AFRGATMQML[Lys450Arg]ARSVNVKTQA

ClinVar aggregate classification (germline): Likely pathogenic (1 of 4 stars; one submission).

gnomAD v4.1: 1 of 1,613,934 alleles (0.000062%); highest among the groups gnomAD compares: Admixed American, 0.0017%; no homozygotes.

Submission:

Labcorp Genetics (formerly Invitae), Labcorp
Classification: Likely pathogenic. Last evaluated: 2025-08-31. Review status: criteria provided, single submitter. Criteria: Invitae Variant Classification Sherloc (09022015). Collection method: clinical testing. Allele origin: germline.
Comment: This sequence change replaces lysine, which is basic and polar, with arginine, which is basic and polar, at codon 450 of the DONSON protein (p.Lys450Arg). This variant is not present in population databases (gnomAD no frequency). This missense change has been observed in individual(s) with clinical features of DONSON-related conditions (PMID: 31407851). In at least one individual the data is consistent with being in trans (on the opposite chromosome) from a pathogenic variant. It has also been observed to segregate with disease in related individuals. An algorithm developed to predict the effect of missense changes on protein structure and function (PolyPhen-2) suggests that this variant is likely to be disruptive. Algorithms developed to predict the effect of sequence changes on RNA splicing suggest that this variant may disrupt the consensus splice site. In summary, the currently available evidence indicates that the variant is pathogenic, but additional data are needed to prove that conclusively. Therefore, this variant has been classified as Likely Pathogenic.

Literature cited by the submitters: PubMed 31407851.